The following is an entry in ClinVar:

NM_003000.3(SDHB):c.35G>C (p.Arg12Pro)

Gene: SDHB (succinate dehydrogenase complex iron sulfur subunit B; minus strand). Cytogenetic location: 1p36.13.
Variant type: single nucleotide variant.
Coding change: c.35G>C on transcript NM_003000.3 (MANE Select); coding-DNA position 35, G replaced by C.
Protein change: p.Arg12Pro; replaces arginine 12 with proline.
Molecular consequence: missense variant.
Genome position (GRCh38, 1-based): chr1:17,053,985, C>G on the plus strand (G>C on the coding strand, the complement: SDHB is on the minus strand). VCF-style: chr1-17053985-C-G. GRCh37 (hg19) VCF-style: chr1-17380480-C-G.
Other names: short protein forms R12P.
Identifiers: ClinVar variation 581553 (VCV000581553.12), dbSNP rs1293365726, ClinGen allele CA338230818.

ClinVar aggregate classification (germline): Uncertain significance. Review status: criteria provided, multiple submitters, no conflicts (2 of 4 stars). 3 submissions from 3 submitters: Uncertain significance (3). Last evaluated 2025-07-23.

Conditions:
Hereditary cancer-predisposing syndrome. Also called: Hereditary Cancer Syndrome; Tumor predisposition; Neoplastic Syndromes, Hereditary; Hereditary neoplastic syndrome. Identifiers: Orphanet 140162, MedGen C0027672, MeSH D009386, MONDO:0015356.
Hereditary pheochromocytoma and paraganglioma. Also called: Hereditary paragangliomas and pheochromocytomas; Hereditary Paraganglioma-Pheochromocytoma Syndromes; Hereditary pheochromocytoma-paraganglioma. Identifiers: Orphanet 29072, MedGen C4274332, MONDO:0017366.
Pheochromocytoma. Also called: MAX-Related Hereditary Paraganglioma-Pheochromocytoma Syndrome. Identifiers: Orphanet 29072, MedGen C0031511, MONDO:0008233, OMIM 171300, HP:0002666.
Pheochromocytoma/paraganglioma syndrome 4. Also called: PARAGANGLIOMA, FAMILIAL MALIGNANT; PARAGANGLIOMAS, HEREDITARY EXTRAADRENAL; PHEOCHROMOCYTOMA, FAMILIAL EXTRAADRENAL; SDHB-Related Hereditary Paraganglioma-Pheochromocytoma Syndrome (Paragangliomas 4); CAROTID BODY TUMORS AND MULTIPLE EXTRAADRENAL PHEOCHROMOCYTOMAS; SDHB-Related Hereditary Paraganglioma-Pheochromocytoma Syndrome. Identifiers: Orphanet 29072, MedGen C1861848, MONDO:0007273, OMIM 115310.
Gastrointestinal stromal tumor. Also called: Gastrointestinal stromal tumor, somatic; Gastrointestinal stroma tumor. Identifiers: Orphanet 44890, MedGen C0238198, MeSH D046152, MONDO:0011719, OMIM 606764, HP:0100723.

gnomAD v4.1: 5 of 1,613,124 alleles (0.00031%); highest among the groups gnomAD compares: Non-Finnish European, 0.00034%; no homozygotes.

Submissions (3):

Color Diagnostics, LLC DBA Color Health
Classification: Uncertain significance for Hereditary pheochromocytoma and paraganglioma. Last evaluated: 2025-07-23. Review status: criteria provided, single submitter. Criteria: ACMG Guidelines, 2015. Collection method: clinical testing. Allele origin: germline.
Comment: This missense variant replaces arginine with proline at codon 12 of the SDHB protein. Computational prediction suggests that this variant may not impact protein structure and function. To our knowledge, functional studies have not been reported for this variant. This variant has not been reported in individuals affected with SDHB-related disorders in the literature. This variant has been identified in 1/243118 chromosomes in the general population by the Genome Aggregation Database (gnomAD). The available evidence is insufficient to determine the role of this variant in disease conclusively. Therefore, this variant is classified as a Variant of Uncertain Significance.

Labcorp Genetics (formerly Invitae), Labcorp
Classification: Uncertain significance for Gastrointestinal stromal tumor; Pheochromocytoma/paraganglioma syndrome 4; Pheochromocytoma. Last evaluated: 2025-02-23. Review status: criteria provided, single submitter. Criteria: Invitae Variant Classification Sherloc (09022015). Collection method: clinical testing. Allele origin: germline.
Comment: This sequence change replaces arginine, which is basic and polar, with proline, which is neutral and non-polar, at codon 12 of the SDHB protein (p.Arg12Pro). The frequency data for this variant in the population databases is considered unreliable, as metrics indicate poor data quality at this position in the gnomAD database. This variant has not been reported in the literature in individuals affected with SDHB-related conditions. ClinVar contains an entry for this variant (Variation ID: 581553). Invitae Evidence Modeling of protein sequence and biophysical properties (such as structural, functional, and spatial information, amino acid conservation, physicochemical variation, residue mobility, and thermodynamic stability) indicates that this missense variant is not expected to disrupt SDHB protein function with a negative predictive value of 95%. In summary, the available evidence is currently insufficient to determine the role of this variant in disease. Therefore, it has been classified as a Variant of Uncertain Significance.

Ambry Genetics
Classification: Uncertain significance for Hereditary cancer-predisposing syndrome. Last evaluated: 2024-09-18. Review status: criteria provided, single submitter. Criteria: Ambry Variant Classification Scheme 2023. Collection method: clinical testing. Allele origin: germline.
Comment: The p.R12P variant (also known as c.35G>C), located in coding exon 1 of the SDHB gene, results from a G to C substitution at nucleotide position 35. The arginine at codon 12 is replaced by proline, an amino acid with dissimilar properties. This amino acid position is not well conserved in available vertebrate species. In addition, the in silico prediction for this alteration is inconclusive. Based on the available evidence, the clinical significance of this variant remains unclear.